The following is an entry in ClinVar:

ClinVar aggregate classification (germline): Uncertain significance (1 of 4 stars; one submission).

Conditions:
5-Oxoprolinase deficiency (OPLAHD). Also called: 5-OXOPROLINURIA DUE TO 5-OXOPROLINASE DEFICIENCY. Identifiers: Orphanet 33572, MedGen C0268525, MONDO:0009825, OMIM 260005, HP:0040142.

gnomAD v4.1: 17 of 1,612,132 alleles (0.0011%); highest among the groups gnomAD compares: Admixed American, 0.028%; no homozygotes.

Submission:

Labcorp Genetics (formerly Invitae), Labcorp
Classification: Uncertain significance for 5-Oxoprolinase deficiency. Last evaluated: 2025-02-14. Review status: criteria provided, single submitter. Criteria: Invitae Variant Classification Sherloc (09022015). Collection method: clinical testing. Allele origin: germline.
Comment: This sequence change replaces glycine, which is neutral and non-polar, with arginine, which is basic and polar, at codon 609 of the OPLAH protein (p.Gly609Arg). This variant is present in population databases (rs782490695, gnomAD 0.04%). This variant has not been reported in the literature in individuals affected with OPLAH-related conditions. Experimental studies and prediction algorithms are not available or were not evaluated, and the functional significance of this variant is currently unknown. In summary, the available evidence is currently insufficient to determine the role of this variant in disease. Therefore, it has been classified as a Variant of Uncertain Significance.

NM_017570.5(OPLAH):c.1825G>C (p.Gly609Arg)

Gene: OPLAH (5-oxoprolinase, ATP-hydrolysing; minus strand). Cytogenetic location: 8q24.3.
Variant type: single nucleotide variant.
Coding change: c.1825G>C on transcript NM_017570.5 (MANE Select); coding-DNA position 1825, G replaced by C.
Protein change: p.Gly609Arg; replaces glycine 609 with arginine.
Molecular consequence: missense variant.
Genome position (GRCh38, 1-based): chr8:144,056,637, C>G on the plus strand (G>C on the coding strand, the complement: OPLAH is on the minus strand). VCF-style: chr8-144056637-C-G. GRCh37 (hg19) VCF-style: chr8-145111540-C-G.
Other names: short protein forms G609R.
Identifiers: ClinVar variation 4752803 (VCV004752803.1).
Genomic context (GRCh38, chr8:144,056,637, plus strand): 5'-AGGGCCCCTTGCCAGGGATCCGGAGTCAGGAAGCCACGTACCGCTCCACAAAGGCTGCCC[C>G]GAAGTCCCCCGCACGGGGCGAGCGGGCTGTGGCTGGGTGCTGGTGGGCAGACACCATCAG-3'
Protein context (NP_060040.1, residues 599-619): TARSPRAGDF[Gly609Arg]AAFVERYMRE